The following is an entry in ClinVar:

NM_033028.5(BBS4):c.1201_1205delinsTCAGC (p.Lys401_Val402delinsSerAla)

Gene: BBS4 (Bardet-Biedl syndrome 4; plus strand). Cytogenetic location: 15q24.1.
Variant type: Indel.
Coding change: c.1201_1205delinsTCAGC on transcript NM_033028.5 (MANE Select); coding-DNA positions 1201 to 1205, AAAGT replaced by TCAGC.
Protein change: p.Lys401_Val402delinsSerAla.
Molecular consequence: missense variant. On other transcripts: non-coding transcript variant (2).
Genome position (GRCh38, 1-based): chr15:72,735,919-72,735,923, AAAGT replaced by TCAGC. VCF-style: chr15-72735919-AAAGT-TCAGC. GRCh37 (hg19) VCF-style: chr15-73028260-AAAGT-TCAGC.
Other names: c.685_689delinsTCAGC, p.Lys229_Val230delinsSerAla (NM_001252678.2); c.1132_1136delinsTCAGC, p.Lys378_Val379delinsSerAla (NM_001320665.2).
Identifiers: ClinVar variation 3345411 (VCV003345411.1).

ClinVar aggregate classification (germline): Uncertain significance (0 of 4 stars; one submission).

Conditions:
BBS4-related disorder. Also called: BBS4-related condition.

Submission:

PreventionGenetics, part of Exact Sciences
Classification: Uncertain significance for BBS4-related condition. Last evaluated: 2024-04-16. Review status: no assertion criteria provided. Collection method: clinical testing. Allele origin: germline.
Comment: The BBS4 c.1201_1205delinsTCAGC variant is predicted to result in an in-frame deletion and insertion. To our knowledge, this variant has not been reported in the literature or in a large population database, indicating this variant is rare. At this time, the clinical significance of this variant is uncertain due to the absence of conclusive functional and genetic evidence.